The following is an entry in ClinVar:

NM_006767.4(LZTR1):c.2194G>A (p.Val732Ile)

Gene: LZTR1 (leucine zipper like post translational regulator 1; plus strand). Cytogenetic location: 22q11.21.
Variant type: single nucleotide variant.
Coding change: c.2194G>A on transcript NM_006767.4 (MANE Select); coding-DNA position 2194, G replaced by A.
Protein change: p.Val732Ile; replaces valine 732 with isoleucine.
Molecular consequence: missense variant.
Genome position (GRCh38, 1-based): chr22:20,996,087, G>A. VCF-style: chr22-20996087-G-A. GRCh37 (hg19) VCF-style: chr22-21350376-G-A.
Other names: short protein forms V732I.
Identifiers: ClinVar variation 1787464 (VCV001787464.2), dbSNP rs1601723149, ClinGen allele CA410780004.
Genomic context (GRCh38, chr22:20,996,087, plus strand): 5'-GAGATGGTGCCCAGCAGGCAGGCCTTCGAGTCCATGCTGCGCTACATCTACTACGGCGAG[G>A]TCAACATGCCGCCCGAGGACTCGCTGCATCCTCACTCCCCAGTGAACTCCCAGGTCCCCA-3'
Protein context (NP_006758.2, residues 722-742): SMLRYIYYGE[Val732Ile]NMPPEDSLYL

ClinVar aggregate classification (germline): Uncertain significance (1 of 4 stars; one submission).

Conditions:
Hereditary cancer-predisposing syndrome. Also called: Neoplastic Syndromes, Hereditary; Tumor predisposition; Hereditary Cancer Syndrome; Hereditary neoplastic syndrome. Identifiers: Orphanet 140162, MedGen C0027672, MeSH D009386, MONDO:0015356.
Cardiovascular phenotype. Identifiers: MedGen CN230736.

Submission:

Ambry Genetics
Classification: Uncertain significance for Cardiovascular phenotype; Hereditary cancer-predisposing syndrome. Last evaluated: 2022-04-24. Review status: criteria provided, single submitter. Criteria: Ambry Variant Classification Scheme 2023. Collection method: clinical testing. Allele origin: germline.
Comment: The p.V732I variant (also known as c.2194G>A), located in coding exon 18 of the LZTR1 gene, results from a G to A substitution at nucleotide position 2194. The valine at codon 732 is replaced by isoleucine, an amino acid with highly similar properties. This amino acid position is conserved. In addition, this alteration is predicted to be tolerated by in silico analysis. Since supporting evidence is limited at this time, the clinical significance of this alteration remains unclear.